The following is an entry in ClinVar:

ClinVar aggregate classification (germline): Uncertain significance (1 of 4 stars; one submission).

gnomAD v4.1: 10 of 1,614,164 alleles (0.00062%); highest among the groups gnomAD compares: Non-Finnish European, 0.00085%; no homozygotes.

Submission:

GeneDx
Classification: Uncertain significance. Last evaluated: 2024-03-04. Review status: criteria provided, single submitter. Criteria: GeneDx Variant Classification Process June 2021. Collection method: clinical testing. Allele origin: germline. Affected: yes.
Comment: Not observed at significant frequency in large population cohorts (gnomAD); In silico analysis supports that this missense variant has a deleterious effect on protein structure/function; Has not been previously published as pathogenic or benign to our knowledge

NM_001689.5(ATP5MC3):c.185C>T (p.Thr62Ile)

Gene: ATP5MC3 (ATP synthase membrane subunit c locus 3; minus strand). Cytogenetic location: 2q31.1.
Variant type: single nucleotide variant.
Coding change: c.185C>T on transcript NM_001689.5 (MANE Select); coding-DNA position 185, C replaced by T.
Protein change: p.Thr62Ile; replaces threonine 62 with isoleucine.
Molecular consequence: missense variant.
Genome position (GRCh38, 1-based): chr2:175,179,186, G>A on the plus strand (C>T on the coding strand, the complement: ATP5MC3 is on the minus strand). VCF-style: chr2-175179186-G-A. GRCh37 (hg19) VCF-style: chr2-176043914-G-A.
Other names: c.185C>T, p.Thr62Ile (NM_001002258.5, NM_001190329.2); short protein forms T62I.
Identifiers: ClinVar variation 3373690 (VCV003373690.1).